The following is an entry in ClinVar:

NM_001127644.2(GABRA1):c.850G>C (p.Val284Leu)

Gene: GABRA1 (gamma-aminobutyric acid type A receptor subunit alpha1; plus strand). Cytogenetic location: 5q34.
Variant type: single nucleotide variant.
Coding change: c.850G>C on transcript NM_001127644.2 (MANE Select); coding-DNA position 850, G replaced by C.
Protein change: p.Val284Leu; replaces valine 284 with leucine.
Molecular consequence: missense variant.
Genome position (GRCh38, 1-based): chr5:161,891,044, G>C. VCF-style: chr5-161891044-G-C. GRCh37 (hg19) VCF-style: chr5-161318050-G-C.
Other names: c.850G>C, p.Val284Leu (NM_000806.5, NM_001127643.2, NM_001127645.2 and 1 more transcripts); short protein forms V284L.
Identifiers: ClinVar variation 1019582 (VCV001019582.6), dbSNP rs1755065243, ClinGen allele CA362180040.

ClinVar aggregate classification (germline): Uncertain significance. Review status: criteria provided, multiple submitters, no conflicts (2 of 4 stars). 2 submissions from 2 submitters: Uncertain significance (2). Last evaluated 2025-04-10.

Conditions:
Epilepsy, idiopathic generalized, susceptibility to, 13. Also called: EPILEPSY, JUVENILE MYOCLONIC, SUSCEPTIBILITY TO, 5. Identifiers: Orphanet 307, Orphanet 64280, MedGen C4013473, MONDO:0012627, OMIM 611136.
Epilepsy, childhood absence 4 (ECA4). Also called: EPILEPSY, CHILDHOOD ABSENCE, SUSCEPTIBILITY TO, 4. Identifiers: Orphanet 307, MedGen C1970160.
Idiopathic generalized epilepsy. Also called: EIG; Generalised epilepsy. Identifiers: MedGen C0270850, MONDO:0005579, OMIM 600669.

Submissions (2):

Women's Health and Genetics/Laboratory Corporation of America, LabCorp
Classification: Uncertain significance. Last evaluated: 2025-04-10. Review status: criteria provided, single submitter. Criteria: LabCorp Variant Classification Summary - May 2015. Collection method: clinical testing. Allele origin: germline.
Comment: Variant summary: GABRA1 c.850G>C (p.Val284Leu) results in a conservative amino acid change in the encoded protein sequence. Four of five in-silico tools predict a damaging effect of the variant on protein function. The variant was absent in 251216 control chromosomes. The available data on variant occurrences in the general population are insufficient to allow any conclusion about variant significance. To our knowledge, no occurrence of c.850G>C in individuals affected with Developmental And Epileptic Encephalopathy, 19 and no experimental evidence demonstrating its impact on protein function have been reported. ClinVar contains an entry for this variant (Variation ID: 1019582). Based on the evidence outlined above, the variant was classified as uncertain significance.

Labcorp Genetics (formerly Invitae), Labcorp
Classification: Uncertain significance for Epilepsy, childhood absence 4; Epilepsy, idiopathic generalized, susceptibility to, 13; Idiopathic generalized epilepsy. Last evaluated: 2021-08-28. Review status: criteria provided, single submitter. Criteria: Invitae Variant Classification Sherloc (09022015). Collection method: clinical testing. Allele origin: germline.